The following is an entry in ClinVar:

NM_053013.4(ENO3):c.736G>A (p.Val246Met)

Gene: ENO3 (enolase 3; plus strand). Cytogenetic location: 17p13.2.
Variant type: single nucleotide variant.
Coding change: c.736G>A on transcript NM_053013.4 (MANE Select); coding-DNA position 736, G replaced by A.
Protein change: p.Val246Met; replaces valine 246 with methionine.
Molecular consequence: missense variant.
Genome position (GRCh38, 1-based): chr17:4,955,475, G>A. VCF-style: chr17-4955475-G-A. GRCh37 (hg19) VCF-style: chr17-4858770-G-A.
Other names: c.763G>A, p.Val255Met (NM_001374524.1); c.736G>A, p.Val246Met (NM_001976.5, NM_001374523.1); c.607G>A, p.Val203Met (NM_001193503.2); short protein forms V203M, V246M, V255M.
Identifiers: ClinVar variation 1052640 (VCV001052640.8), dbSNP rs756256626, ClinGen allele CA8316415.

ClinVar aggregate classification (germline): Uncertain significance (1 of 4 stars; one submission).

Conditions:
Glycogen storage disease due to muscle beta-enolase deficiency (GSD13). Also called: Glycogen Storage Disease Type XIII; ENOLASE 3 DEFICIENCY; ENOLASE-BETA DEFICIENCY; GSD XIII. Identifiers: Orphanet 99849, MedGen C2752027, MONDO:0013046, OMIM 612932.

Allele frequency attached by ClinVar (database versions not stated): TOPMed below 0.00001; ExAC 0.00001; gnomAD 0.00001; gnomAD exomes 0.00001.
gnomAD v4.1: 21 of 1,614,158 alleles (0.0013%); highest among the groups gnomAD compares: Non-Finnish European, 0.0014%; no homozygotes.

Submission:

Labcorp Genetics (formerly Invitae), Labcorp
Classification: Uncertain significance for Glycogen storage disease due to muscle beta-enolase deficiency. Last evaluated: 2023-11-27. Review status: criteria provided, single submitter. Criteria: Invitae Variant Classification Sherloc (09022015). Collection method: clinical testing. Allele origin: germline.
Comment: This sequence change replaces valine, which is neutral and non-polar, with methionine, which is neutral and non-polar, at codon 246 of the ENO3 protein (p.Val246Met). This variant is present in population databases (rs756256626, gnomAD 0.002%). This variant has not been reported in the literature in individuals affected with ENO3-related conditions. ClinVar contains an entry for this variant (Variation ID: 1052640). Advanced modeling of protein sequence and biophysical properties (such as structural, functional, and spatial information, amino acid conservation, physicochemical variation, residue mobility, and thermodynamic stability) performed at Invitae indicates that this missense variant is not expected to disrupt ENO3 protein function with a negative predictive value of 80%. In summary, the available evidence is currently insufficient to determine the role of this variant in disease. Therefore, it has been classified as a Variant of Uncertain Significance.